The following is an entry in ClinVar:

NM_015909.4(NBAS):c.4000C>A (p.Arg1334Ser)

Gene: NBAS (NBAS subunit of NRZ tethering complex; minus strand). Cytogenetic location: 2p24.3.
Variant type: single nucleotide variant.
Coding change: c.4000C>A on transcript NM_015909.4 (MANE Select); coding-DNA position 4000, C replaced by A.
Protein change: p.Arg1334Ser; replaces arginine 1334 with serine.
Molecular consequence: missense variant. On other transcripts: non-coding transcript variant (1).
Genome position (GRCh38, 1-based): chr2:15,353,642, G>T on the plus strand (C>A on the coding strand, the complement: NBAS is on the minus strand). VCF-style: chr2-15353642-G-T. GRCh37 (hg19) VCF-style: chr2-15493766-G-T.
Other names: c.4000C>A (NM_015909.2); short protein forms R1334S.
Identifiers: ClinVar variation 1489368 (VCV001489368.5), dbSNP rs142475355, ClinGen allele CA1535823.

ClinVar aggregate classification (germline): Uncertain significance. Review status: criteria provided, multiple submitters, no conflicts (2 of 4 stars). 2 submissions from 2 submitters: Uncertain significance (2). Last evaluated 2025-11-04.

Conditions:
Inborn genetic diseases. Identifiers: MedGen C0950123, MeSH D030342.

Allele frequency attached by ClinVar (database versions not stated): ESP Exome Variant Server 0.00008.
gnomAD v4.1: 5 of 1,613,950 alleles (0.00031%); highest among the groups gnomAD compares: African/African-American, 0.0053%; no homozygotes.

Submissions (2):

Ambry Genetics
Classification: Uncertain significance for Inborn genetic diseases. Last evaluated: 2025-11-04. Review status: criteria provided, single submitter. Criteria: Ambry Variant Classification Scheme 2023. Collection method: clinical testing. Allele origin: germline.

Labcorp Genetics (formerly Invitae), Labcorp
Classification: Uncertain significance. Last evaluated: 2022-08-15. Review status: criteria provided, single submitter. Criteria: Invitae Variant Classification Sherloc (09022015). Collection method: clinical testing. Allele origin: germline.
Comment: This sequence change replaces arginine, which is basic and polar, with serine, which is neutral and polar, at codon 1334 of the NBAS protein (p.Arg1334Ser). This variant is present in population databases (rs142475355, gnomAD 0.007%). This variant has not been reported in the literature in individuals affected with NBAS-related conditions. ClinVar contains an entry for this variant (Variation ID: 1489368). Algorithms developed to predict the effect of missense changes on protein structure and function (SIFT, PolyPhen-2, Align-GVGD) all suggest that this variant is likely to be disruptive. Algorithms developed to predict the effect of sequence changes on RNA splicing suggest that this variant may disrupt the consensus splice site. In summary, the available evidence is currently insufficient to determine the role of this variant in disease. Therefore, it has been classified as a Variant of Uncertain Significance.